The following is an entry in ClinVar:

NM_001365951.3(KIF1B):c.958+4T>G

Gene: KIF1B (kinesin family member 1B; plus strand). Cytogenetic location: 1p36.22.
Variant type: single nucleotide variant.
Coding change: c.958+4T>G on transcript NM_001365951.3 (MANE Select); 4 bases into the intron after coding-DNA position 958, T replaced by G.
Molecular consequence: intron variant.
Genome position (GRCh38, 1-based): chr1:10,275,507, T>G. VCF-style: chr1-10275507-T-G. GRCh37 (hg19) VCF-style: chr1-10335565-T-G.
Other names: c.940+4T>G (NM_183416.4, NM_015074.3, NM_001365953.1); c.958+4T>G (NM_001365952.1).
Identifiers: ClinVar variation 3533866 (VCV003533866.1).

ClinVar aggregate classification (germline): Uncertain significance (1 of 4 stars; one submission).

gnomAD v4.1: 1 of 1,462,296 alleles (0.000068%); highest among the groups gnomAD compares: Admixed American, 0.0017%; no homozygotes.

Submission:

Ambry Genetics
Classification: Uncertain significance. Last evaluated: 2024-07-12. Review status: criteria provided, single submitter. Criteria: Ambry Variant Classification Scheme 2023. Collection method: clinical testing. Allele origin: germline.
Comment: The c.940+4T>G intronic variant results from a T to G substitution 4 nucleotides after coding exon 9 in the KIF1B gene. This nucleotide position is poorly conserved in available vertebrate species. In silico splice site analysis predicts that this alteration will not have any significant effect on splicing. The evidence for this gene-disease relationship is limited; therefore, the clinical significance of this alteration is unclear.